The following is an entry in ClinVar:

ClinVar aggregate classification (germline): Likely benign. Review status: criteria provided, multiple submitters, no conflicts (2 of 4 stars). 4 submissions from 4 submitters: Likely benign (2). 2 of the submissions do not count toward it. Last evaluated 2024-03-25.

Conditions:
Nephronophthisis 14 (NPHP14). Identifiers: Orphanet 2318, MedGen C3539071, MONDO:0013916, OMIM 614844.
EBV-positive nodal T- and NK-cell lymphoma.
ZNF423-related disorder. Also called: ZNF423-related condition.

Allele frequency attached by ClinVar (database versions not stated): ExAC 0.00001; gnomAD exomes 0.00002; gnomAD 0.00003; TOPMed 0.00003; ESP Exome Variant Server 0.00008.
gnomAD v4.1: 26 of 1,613,704 alleles (0.0016%); highest among the groups gnomAD compares: South Asian, 0.0022%; no homozygotes.

Submissions (4):

Labcorp Genetics (formerly Invitae), Labcorp
Classification: Likely benign for Nephronophthisis 14. Last evaluated: 2024-03-25. Review status: criteria provided, single submitter. Criteria: Invitae Variant Classification Sherloc (09022015). Collection method: clinical testing. Allele origin: germline.

Blueprint Genetics
Classification: Likely benign. Last evaluated: 2023-07-27. Review status: criteria provided, single submitter. Criteria: ACMG Guidelines, 2015. Collection method: clinical testing. Allele origin: germline.

PreventionGenetics, part of Exact Sciences
Classification: Likely benign for ZNF423-related condition. Last evaluated: 2019-06-20. Review status: no assertion criteria provided. Collection method: clinical testing. Allele origin: germline. Not counted in ClinVar's aggregate classification.
Comment: This variant is classified as likely benign based on ACMG/AMP sequence variant interpretation guidelines (Richards et al. 2015 PMID: 25741868, with internal and published modifications).

Department of Clinical Pathology, School of Medicine, Fujita Health University
Classification: Likely benign for EBV-positive nodal T- and NK-cell lymphoma. Review status: no assertion criteria provided. Collection method: research. Allele origin: unknown. Affected: yes. Not counted in ClinVar's aggregate classification.

NM_001379286.1(ZNF423):c.2088G>A (p.Thr696=)

Gene: ZNF423 (zinc finger protein 423; minus strand). Cytogenetic location: 16q12.1.
Variant type: single nucleotide variant.
Coding change: c.2088G>A on transcript NM_001379286.1 (MANE Select); coding-DNA position 2088, G replaced by A.
Protein change: p.Thr696=; no amino-acid change (threonine 696 retained).
Molecular consequence: synonymous variant.
Genome position (GRCh38, 1-based): chr16:49,637,088, C>T on the plus strand (G>A on the coding strand, the complement: ZNF423 is on the minus strand). VCF-style: chr16-49637088-C-T. GRCh37 (hg19) VCF-style: chr16-49670999-C-T.
Other names: c.2064G>A (NM_015069.4); c.1884G>A, p.Thr628= (NM_001271620.2); c.1713G>A, p.Thr571= (NM_001330533.2); c.2064G>A, p.Thr688= (NM_015069.5).
Identifiers: ClinVar variation 2085512 (VCV002085512.8), dbSNP rs150555141, ClinGen allele CA8046571.
Genomic context (GRCh38, chr16:49,637,088, plus strand): 5'-CTGCAGGTCATCCACCGAGGAAAATTGCTTGTCGCAGCTCTCGCACACATAGTGGGTCGA[C>T]GTGGTCATGTAATGCACTGTCAGGTGCTGCAGGAGGGACTCCTGGGAGTCAAAGTCCTCT-3'
Protein context (NP_001366215.1, residues 686-706): LQHLTVHYMT[Thr696=]STHYVCESCD